The following is an entry in ClinVar:

ClinVar aggregate classification (germline): Uncertain significance. Review status: criteria provided, multiple submitters, no conflicts (2 of 4 stars). 2 submissions from 2 submitters: Uncertain significance (2). Last evaluated 2025-06-21.

Allele frequency attached by ClinVar (database versions not stated): ESP Exome Variant Server 0.00008.
gnomAD v4.1: 11 of 1,614,054 alleles (0.00068%); highest among the groups gnomAD compares: Non-Finnish European, 0.00093%; no homozygotes.

Submissions (2):

Ambry Genetics
Classification: Uncertain significance. Last evaluated: 2025-06-21. Review status: criteria provided, single submitter. Criteria: Ambry Variant Classification Scheme 2023. Collection method: clinical testing. Allele origin: germline.
Comment: The p.P1169Q variant (also known as c.3506C>A), located in coding exon 31 of the KIF1B gene, results from a C to A substitution at nucleotide position 3506. The proline at codon 1169 is replaced by glutamine, an amino acid with similar properties. This amino acid position is highly conserved in available vertebrate species. In addition, this alteration is predicted to be tolerated by in silico analysis. The evidence for this gene-disease relationship is limited; therefore, the clinical significance of this alteration is unclear.

Mayo Clinic Laboratories, Mayo Clinic
Classification: Uncertain significance. Last evaluated: 2020-04-15. Review status: criteria provided, single submitter. Criteria: ACMG Guidelines, 2015. Collection method: clinical testing. Allele origin: germline. Observed: 1 variant allele.

NM_001365951.3(KIF1B):c.3644C>A (p.Pro1215Gln)

Gene: KIF1B (kinesin family member 1B; plus strand). Cytogenetic location: 1p36.22.
Variant type: single nucleotide variant.
Coding change: c.3644C>A on transcript NM_001365951.3 (MANE Select); coding-DNA position 3644, C replaced by A.
Protein change: p.Pro1215Gln; replaces proline 1215 with glutamine.
Molecular consequence: missense variant.
Genome position (GRCh38, 1-based): chr1:10,343,243, C>A. VCF-style: chr1-10343243-C-A. GRCh37 (hg19) VCF-style: chr1-10403301-C-A.
Other names: c.3644C>A, p.Pro1215Gln (NM_001365952.1); c.3506C>A, p.Pro1169Gln (NM_015074.3); short protein forms P1169Q, P1215Q.
Identifiers: ClinVar variation 1162832 (VCV001162832.9), dbSNP rs369255811, ClinGen allele CA581836.